The following is an entry in ClinVar:

NM_014915.3(ANKRD26):c.-154C>G

Gene: ANKRD26 (ankyrin repeat domain 26; minus strand). Cytogenetic location: 10p12.1.
Variant type: single nucleotide variant.
Coding change: c.-154C>G on transcript NM_014915.3 (MANE Select); 154 bases upstream of the start codon, C replaced by G.
Molecular consequence: 5 prime UTR variant.
Genome position (GRCh38, 1-based): chr10:27,100,480, G>C on the plus strand (C>G on the coding strand, the complement: ANKRD26 is on the minus strand). VCF-style: chr10-27100480-G-C. GRCh37 (hg19) VCF-style: chr10-27389409-G-C.
Other names: c.-154C>G (NM_001256053.2).
Identifiers: ClinVar variation 4808810 (VCV004808810.1).

ClinVar aggregate classification (germline): Uncertain significance (1 of 4 stars; one submission).

gnomAD v4.1: 1 of 1,164,660 alleles (0.000086%); highest among the groups gnomAD compares: East Asian, 0.0025%; no homozygotes.

Submission:

Labcorp Genetics (formerly Invitae), Labcorp
Classification: Uncertain significance. Last evaluated: 2025-12-29. Review status: criteria provided, single submitter. Criteria: Invitae Variant Classification Sherloc (09022015). Collection method: clinical testing. Allele origin: germline.
Comment: This variant occurs in a non-coding region of the ANKRD26 gene. It does not change the encoded amino acid sequence of the ANKRD26 protein. This variant is not present in population databases (gnomAD no frequency). This variant has not been reported in the literature in individuals affected with ANKRD26-related conditions. In summary, the available evidence is currently insufficient to determine the role of this variant in disease. Therefore, it has been classified as a Variant of Uncertain Significance.